The following is an entry in ClinVar:

ClinVar aggregate classification (germline): Likely benign. Review status: criteria provided, multiple submitters, no conflicts (2 of 4 stars). 5 submissions from 5 submitters: Likely benign (5). Last evaluated 2026-02-03.

Conditions:
Bethlem myopathy 1A. Also called: Bethlem myopathy 1; Bethlem Muscular Dystrophy; MYOPATHY, BENIGN CONGENITAL, WITH CONTRACTURES. Identifiers: Orphanet 610, MedGen CN029274, MONDO:0024530, OMIM 158810.

Allele frequency attached by ClinVar (database versions not stated): gnomAD exomes below 0.00001 and 0.00002; ExAC 0.00001; gnomAD 0.00001; TOPMed 0.00001.
gnomAD v4.1: 9 of 1,613,674 alleles (0.00056%); highest among the groups gnomAD compares: African/African-American, 0.0013%; no homozygotes.

Submissions (5):

Women's Health and Genetics/Laboratory Corporation of America, LabCorp
Classification: Likely benign. Last evaluated: 2026-02-03. Review status: criteria provided, single submitter. Criteria: LabCorp Variant Classification Summary - May 2015. Collection method: clinical testing. Allele origin: germline.

Labcorp Genetics (formerly Invitae), Labcorp
Classification: Likely benign for Bethlem myopathy 1A. Last evaluated: 2025-11-01. Review status: criteria provided, single submitter. Criteria: Invitae Variant Classification Sherloc (09022015). Collection method: clinical testing. Allele origin: germline.

CeGaT Center for Human Genetics Tuebingen
Classification: Likely benign. Last evaluated: 2024-08-01. Review status: criteria provided, single submitter. Criteria: CeGaT Center For Human Genetics Tuebingen Variant Classification Criteria Version 2. Collection method: clinical testing. Allele origin: germline. Affected: yes. Observed: 1 variant allele.
Comment: COL6A2: BP4, BP7

Blueprint Genetics
Classification: Likely benign. Last evaluated: 2023-07-13. Review status: criteria provided, single submitter. Criteria: ACMG Guidelines, 2015. Collection method: clinical testing. Allele origin: germline.

GeneDx
Classification: Likely benign. Last evaluated: 2017-12-27. Review status: criteria provided, single submitter. Criteria: GeneDx Variant Classification (06012015). Collection method: clinical testing. Allele origin: germline. Affected: yes.
Comment: This variant is considered likely benign or benign based on one or more of the following criteria: it is a conservative change, it occurs at a poorly conserved position in the protein, it is predicted to be benign by multiple in silico algorithms, and/or has population frequency not consistent with disease.

NM_001849.4(COL6A2):c.726C>T (p.Ala242=)

Gene: COL6A2 (collagen type VI alpha 2 chain; plus strand). Cytogenetic location: 21q22.3.
Variant type: single nucleotide variant.
Coding change: c.726C>T on transcript NM_001849.4 (MANE Select); coding-DNA position 726, C replaced by T.
Protein change: p.Ala242=; no amino-acid change (alanine 242 retained).
Molecular consequence: synonymous variant.
Genome position (GRCh38, 1-based): chr21:46,112,815, C>T. VCF-style: chr21-46112815-C-T. GRCh37 (hg19) VCF-style: chr21-47532729-C-T.
Other names: c.726C>T, p.Ala242= (NM_058174.3, NM_058175.3).
Identifiers: ClinVar variation 514305 (VCV000514305.27), dbSNP rs767184248, ClinGen allele CA10071419.
Genomic context (GRCh38, chr21:46,112,815, plus strand): 5'-CCCAGGTCTCGAGGCACACGGCTAACCAGCATGTCTGTCTTTTCTGCAGAAACACGAAGC[C>T]TACGGAGAGGTGAGTGGCGCTTCCCTTCCTGCCAGTGCTGGCCGGCAGCTGACCCAGCAG-3'
Protein context (NP_001840.3, residues 232-252): NRIIKVMKHE[Ala242=]YGECYKVSCL